The following is an entry in ClinVar:

ClinVar aggregate classification (germline): Uncertain significance (1 of 4 stars; one submission).

Allele frequency attached by ClinVar (database versions not stated): TOPMed below 0.00001; gnomAD 0.00001.
gnomAD v4.1: 1 of 1,614,022 alleles (0.000062%); highest among the groups gnomAD compares: Admixed American, 0.0017%; no homozygotes.

Submission:

Labcorp Genetics (formerly Invitae), Labcorp
Classification: Uncertain significance. Last evaluated: 2022-07-26. Review status: criteria provided, single submitter. Criteria: Invitae Variant Classification Sherloc (09022015). Collection method: clinical testing. Allele origin: germline.
Comment: This sequence change replaces glutamine, which is neutral and polar, with histidine, which is basic and polar, at codon 1841 of the TCF20 protein (p.Gln1841His). This variant is not present in population databases (gnomAD no frequency). This variant has not been reported in the literature in individuals affected with TCF20-related conditions. Algorithms developed to predict the effect of missense changes on protein structure and function output the following: SIFT: "Tolerated"; PolyPhen-2: "Benign"; Align-GVGD: "Class C0". The histidine amino acid residue is found in multiple mammalian species, which suggests that this missense change does not adversely affect protein function. In summary, the available evidence is currently insufficient to determine the role of this variant in disease. Therefore, it has been classified as a Variant of Uncertain Significance.

NM_001378418.1(TCF20):c.5523A>C (p.Gln1841His)

Gene: TCF20 (transcription factor 20; minus strand). Cytogenetic location: 22q13.2.
Variant type: single nucleotide variant.
Coding change: c.5523A>C on transcript NM_001378418.1 (MANE Select); coding-DNA position 5523, A replaced by C.
Protein change: p.Gln1841His; replaces glutamine 1841 with histidine.
Molecular consequence: missense variant.
Genome position (GRCh38, 1-based): chr22:42,209,783, T>G on the plus strand (A>C on the coding strand, the complement: TCF20 is on the minus strand). VCF-style: chr22-42209783-T-G. GRCh37 (hg19) VCF-style: chr22-42605789-T-G.
Other names: c.5523A>C, p.Gln1841His (NM_005650.4, NM_181492.3); short protein forms Q1841H.
Identifiers: ClinVar variation 2193381 (VCV002193381.4), dbSNP rs1569142376, ClinGen allele CA411780634.